The following is an entry in ClinVar:

NM_001001957.2(OR2W3):c.686G>A (p.Arg229Gln)

Gene: OR2W3 (olfactory receptor family 2 subfamily W member 3; plus strand). Cytogenetic location: 1q44.
Variant type: single nucleotide variant.
Coding change: c.686G>A on transcript NM_001001957.2 (MANE Select); coding-DNA position 686, G replaced by A.
Protein change: p.Arg229Gln; replaces arginine 229 with glutamine.
Molecular consequence: missense variant.
Genome position (GRCh38, 1-based): chr1:247,896,272, G>A. VCF-style: chr1-247896272-G-A. GRCh37 (hg19) VCF-style: chr1-248059574-G-A.
Other names: short protein forms R229Q.
Identifiers: ClinVar variation 1981595 (VCV001981595.6), dbSNP rs750858075, ClinGen allele CA1498664.

ClinVar aggregate classification (germline): Conflicting classifications of pathogenicity. Review status: criteria provided, conflicting classifications (1 of 4 stars). 2 submissions from 2 submitters: Uncertain significance (1); Likely benign (1). Last evaluated 2025-08-11.

Allele frequency attached by ClinVar (database versions not stated): gnomAD 0.00001; TOPMed 0.00001; ExAC 0.00002.

Submissions (2):

Labcorp Genetics (formerly Invitae), Labcorp
Classification: Uncertain significance. Last evaluated: 2025-08-11. Review status: criteria provided, single submitter. Criteria: Invitae Variant Classification Sherloc (09022015). Collection method: clinical testing. Allele origin: germline.
Comment: This sequence change replaces arginine, which is basic and polar, with glutamine, which is neutral and polar, at codon 229 of the OR2W3 protein (p.Arg229Gln). This variant is present in population databases (rs750858075, gnomAD 0.003%). This variant has not been reported in the literature in individuals affected with OR2W3-related conditions. ClinVar contains an entry for this variant (Variation ID: 1981595). An algorithm developed to predict the effect of missense changes on protein structure and function outputs the following: PolyPhen-2: "Benign". The glutamine amino acid residue is found in multiple mammalian species, which suggests that this missense change does not adversely affect protein function. In summary, the available evidence is currently insufficient to determine the role of this variant in disease. Therefore, it has been classified as a Variant of Uncertain Significance.

Ambry Genetics
Classification: Likely benign. Last evaluated: 2023-05-23. Review status: criteria provided, single submitter. Criteria: Ambry Variant Classification Scheme 2023. Collection method: clinical testing. Allele origin: germline.